The following is an entry in ClinVar:

ClinVar aggregate classification (germline): Uncertain significance. Review status: criteria provided, multiple submitters, no conflicts (2 of 4 stars). 3 submissions from 3 submitters: Uncertain significance (3). Last evaluated 2026-02-02.

Conditions:
SLC27A5-related disorder. Also called: SLC27A5-related condition.

Allele frequency attached by ClinVar (database versions not stated): TOPMed 0.00006; gnomAD 0.00007 and 0.00009; ESP Exome Variant Server 0.00008; gnomAD exomes 0.00009; ExAC 0.00011; 1000 Genomes Project 0.00020; 1000 Genomes Project 30x 0.00031.

Submissions (3):

PreventionGenetics, part of Exact Sciences
Classification: Uncertain significance for SLC27A5-related condition. Last evaluated: 2026-02-02. Review status: criteria provided, single submitter. Criteria: ACMG Guidelines, 2015. Collection method: clinical testing. Allele origin: germline.
Comment: The SLC27A5 c.842G>A variant is predicted to result in the amino acid substitution p.Arg281His. To our knowledge, this variant has not been reported in the literature. This variant is reported in 0.039% of alleles in individuals of South Asian descent in gnomAD. At this time, the clinical significance of this variant is uncertain due to the absence of conclusive functional and genetic evidence.

Ambry Genetics
Classification: Uncertain significance. Last evaluated: 2022-10-12. Review status: criteria provided, single submitter. Criteria: Ambry Variant Classification Scheme 2023. Collection method: clinical testing. Allele origin: germline.

Eurofins Ntd Llc (ga)
Classification: Uncertain significance. Last evaluated: 2016-07-28. Review status: criteria provided, single submitter. Criteria: EGL Classification Definitions 2015. Collection method: clinical testing. Allele origin: germline. Observed: 1 variant allele, 1 heterozygote.

NM_012254.3(SLC27A5):c.842G>A (p.Arg281His)

Gene: SLC27A5 (solute carrier family 27 member 5; minus strand). Cytogenetic location: 19q13.43.
Variant type: single nucleotide variant.
Coding change: c.842G>A on transcript NM_012254.3 (MANE Select); coding-DNA position 842, G replaced by A.
Protein change: p.Arg281His; replaces arginine 281 with histidine.
Molecular consequence: missense variant.
Genome position (GRCh38, 1-based): chr19:58,510,777, C>T on the plus strand (G>A on the coding strand, the complement: SLC27A5 is on the minus strand). VCF-style: chr19-58510777-C-T. GRCh37 (hg19) VCF-style: chr19-59022144-C-T.
Other names: c.590G>A, p.Arg197His (NM_001321196.2); c.842G>A (NM_012254.2); short protein forms R281H, R197H.
Identifiers: ClinVar variation 289884 (VCV000289884.8), dbSNP rs149015959, ClinGen allele CA9718191.